The following is an entry in ClinVar:

ClinVar aggregate classification (germline): Uncertain significance. Review status: criteria provided, multiple submitters, no conflicts (2 of 4 stars). 3 submissions from 3 submitters: Uncertain significance (3). Last evaluated 2025-11-24.

Conditions:
Global developmental delay - lung cysts - overgrowth - Wilms tumor syndrome. Also called: GLOW Syndrome; GLOBAL DEVELOPMENTAL DELAY, LUNG CYSTS, OVERGROWTH, AND WILMS TUMOR. Identifiers: Orphanet 404476, MedGen C4748924, MONDO:0018445, OMIM 618272.
DICER1-related tumor predisposition. Also called: DICER1-related pleuropulmonary blastoma cancer predisposition syndrome; DICER1 syndrome. Identifiers: Orphanet 284343, MedGen C3839822, MONDO:0100216.
Hereditary cancer-predisposing syndrome. Also called: Tumor predisposition; Neoplastic Syndromes, Hereditary; Hereditary Cancer Syndrome; Hereditary neoplastic syndrome. Identifiers: Orphanet 140162, MedGen C0027672, MeSH D009386, MONDO:0015356.

Allele frequency attached by ClinVar (database versions not stated): gnomAD exomes below 0.00001; TOPMed 0.00003; ESP Exome Variant Server 0.00008.
gnomAD v4.1: 2 of 1,611,942 alleles (0.00012%); highest among the groups gnomAD compares: Non-Finnish European, 0.00017%; no homozygotes.

Submissions (3):

Labcorp Genetics (formerly Invitae), Labcorp
Classification: Uncertain significance for DICER1-related tumor predisposition. Last evaluated: 2025-11-24. Review status: criteria provided, single submitter. Criteria: Invitae Variant Classification Sherloc (09022015). Collection method: clinical testing. Allele origin: germline.
Comment: This sequence change replaces proline, which is neutral and non-polar, with serine, which is neutral and polar, at codon 197 of the DICER1 protein (p.Pro197Ser). This variant is present in population databases (rs375689793, gnomAD 0.0009%). This variant has not been reported in the literature in individuals affected with DICER1-related conditions. ClinVar contains an entry for this variant (Variation ID: 477274). Invitae Evidence Modeling of protein sequence and biophysical properties (such as structural, functional, and spatial information, amino acid conservation, physicochemical variation, residue mobility, and thermodynamic stability) indicates that this missense variant is not expected to disrupt DICER1 protein function with a negative predictive value of 95%. In summary, the available evidence is currently insufficient to determine the role of this variant in disease. Therefore, it has been classified as a Variant of Uncertain Significance.

Ambry Genetics
Classification: Uncertain significance for Hereditary cancer-predisposing syndrome. Last evaluated: 2025-11-11. Review status: criteria provided, single submitter. Criteria: Ambry Variant Classification Scheme 2023. Collection method: clinical testing. Allele origin: germline.
Comment: The p.P197S variant (also known as c.589C>T), located in coding exon 5 of the DICER1 gene, results from a C to T substitution at nucleotide position 589. The proline at codon 197 is replaced by serine, an amino acid with similar properties. This amino acid position is well conserved in available vertebrate species. In addition, this alteration is predicted to be tolerated by in silico analysis. Since supporting evidence is limited at this time, the clinical significance of this alteration remains unclear.

Baylor Genetics
Classification: Uncertain significance for Global developmental delay - lung cysts - overgrowth - Wilms tumor syndrome. Last evaluated: 2023-07-11. Review status: criteria provided, single submitter. Criteria: ACMG Guidelines, 2015. Collection method: clinical testing. Allele origin: unknown.

NM_177438.3(DICER1):c.589C>T (p.Pro197Ser)

Gene: DICER1 (dicer 1, ribonuclease III; minus strand). Cytogenetic location: 14q32.13.
Variant type: single nucleotide variant.
Coding change: c.589C>T on transcript NM_177438.3 (MANE Select); coding-DNA position 589, C replaced by T.
Protein change: p.Pro197Ser; replaces proline 197 with serine.
Molecular consequence: missense variant.
Genome position (GRCh38, 1-based): chr14:95,129,617, G>A on the plus strand (C>T on the coding strand, the complement: DICER1 is on the minus strand). VCF-style: chr14-95129617-G-A. GRCh37 (hg19) VCF-style: chr14-95595954-G-A.
Other names: c.589C>T, p.Pro197Ser (NM_001195573.1, NM_001271282.3, NM_001291628.2 and 1 more transcripts); short protein forms P197S.
Identifiers: ClinVar variation 477274 (VCV000477274.19), dbSNP rs375689793, ClinGen allele CA265926129.